The following is an entry in ClinVar:

NM_002109.6(HARS1):c.562G>C (p.Asp188His)

Gene: HARS1 (histidyl-tRNA synthetase 1; minus strand). Cytogenetic location: 5q31.3.
Variant type: single nucleotide variant.
Coding change: c.562G>C on transcript NM_002109.6 (MANE Select); coding-DNA position 562, G replaced by C.
Protein change: p.Asp188His; replaces aspartic acid 188 with histidine.
Molecular consequence: missense variant.
Genome position (GRCh38, 1-based): chr5:140,677,976, C>G on the plus strand (G>C on the coding strand, the complement: HARS1 is on the minus strand). VCF-style: chr5-140677976-C-G. GRCh37 (hg19) VCF-style: chr5-140057561-C-G.
Other names: c.442G>C, p.Asp148His (NM_001258040.3); c.502G>C, p.Asp168His (NM_001258041.3); c.382G>C, p.Asp128His (NM_001258042.3); c.340G>C, p.Asp114His (NM_001289092.2); c.220G>C, p.Asp74His (NM_001289093.2); c.475G>C, p.Asp159His (NM_001289094.2); short protein forms D114H, D128H, D148H, D159H, D168H, D188H, D74H.
Identifiers: ClinVar variation 1022160 (VCV001022160.8), dbSNP rs1758489449, ClinGen allele CA361255825.

ClinVar aggregate classification (germline): Uncertain significance (1 of 4 stars; one submission).

Conditions:
Usher syndrome type 3B. Also called: USHER SYNDROME, TYPE IIIB. Identifiers: MedGen C3281066, MONDO:0013788, OMIM 614504.

Allele frequency attached by ClinVar (database versions not stated): gnomAD exomes 0.00001.

Submission:

Labcorp Genetics (formerly Invitae), Labcorp
Classification: Uncertain significance for Usher syndrome type 3B. Last evaluated: 2024-08-11. Review status: criteria provided, single submitter. Criteria: Invitae Variant Classification Sherloc (09022015). Collection method: clinical testing. Allele origin: germline.
Comment: This sequence change replaces aspartic acid, which is acidic and polar, with histidine, which is basic and polar, at codon 188 of the HARS protein (p.Asp188His). This variant is not present in population databases (gnomAD no frequency). This variant has not been reported in the literature in individuals affected with HARS-related conditions. ClinVar contains an entry for this variant (Variation ID: 1022160). Advanced modeling of protein sequence and biophysical properties (such as structural, functional, and spatial information, amino acid conservation, physicochemical variation, residue mobility, and thermodynamic stability) performed at Invitae indicates that this missense variant is expected to disrupt HARS protein function with a positive predictive value of 80%. In summary, the available evidence is currently insufficient to determine the role of this variant in disease. Therefore, it has been classified as a Variant of Uncertain Significance.